The following is an entry in ClinVar:

ClinVar aggregate classification (germline): Pathogenic. Review status: criteria provided, multiple submitters, no conflicts (2 of 4 stars). 2 submissions from 2 submitters: Pathogenic (2). Last evaluated 2024-08-25.

Submissions (2):

GeneDx
Classification: Pathogenic. Last evaluated: 2024-08-25. Review status: criteria provided, single submitter. Criteria: GeneDx Variant Classification Process June 2021. Collection method: clinical testing. Allele origin: germline. Affected: yes.
Comment: Frameshift variant predicted to result in protein truncation or nonsense mediated decay in a gene for which loss of function is a known mechanism of disease; Not observed at significant frequency in large population cohorts (gnomAD); This variant is associated with the following publications: (PMID: 34426522, 16900296, 15793586, 37644014, 30214071)

Labcorp Genetics (formerly Invitae), Labcorp
Classification: Pathogenic. Last evaluated: 2024-01-19. Review status: criteria provided, single submitter. Criteria: Invitae Variant Classification Sherloc (09022015). Collection method: clinical testing. Allele origin: germline.
Comment: This sequence change creates a premature translational stop signal (p.Lys42Argfs*15) in the CENPJ gene. It is expected to result in an absent or disrupted protein product. Loss-of-function variants in CENPJ are known to be pathogenic (PMID: 15793586, 16900296, 20522431). This variant is present in population databases (no rsID available, gnomAD 0.003%). This premature translational stop signal has been observed in individual(s) with microcephaly (PMID: 30214071). ClinVar contains an entry for this variant (Variation ID: 1453667). For these reasons, this variant has been classified as Pathogenic.

Literature cited by the submitters: PubMed 15793586 (cited by Labcorp Genetics (formerly Invitae), Labcorp); PubMed 16900296 (cited by Labcorp Genetics (formerly Invitae), Labcorp); PubMed 20522431 (cited by Labcorp Genetics (formerly Invitae), Labcorp); PubMed 30214071 (cited by Labcorp Genetics (formerly Invitae), Labcorp).

NM_018451.5(CPAP):c.125_126del (p.Lys42fs)

Gene: CPAP (centrosome assembly and centriole elongation protein; minus strand). Cytogenetic location: 13q12.13.
Variant type: Deletion.
Coding change: c.125_126del on transcript NM_018451.5 (MANE Select); coding-DNA positions 125 to 126, 2 bases deleted (AA; older notation c.125_126delAA).
Protein change: p.Lys42fs; shifts the reading frame from lysine 42.
Molecular consequence: frameshift variant. On other transcripts: non-coding transcript variant (2).
Genome position (GRCh38, 1-based): chr13:24,912,900-24,912,901, TT deleted on the plus strand (AA on the coding strand, the reverse complement: CPAP is on the minus strand); deleting any 2 consecutive bases within chr13:24,912,900-24,912,902 gives the same sequence; the c. name uses the placement nearest the transcript's 3' end. VCF-style (leftmost placement, unchanged base first): chr13-24912899-CTT-C. GRCh37 (hg19) VCF-style: chr13-25487037-CTT-C.
Other names: c.125_126del (NM_018451.3); short protein forms K42fs.
Identifiers: ClinVar variation 1453667 (VCV001453667.9), dbSNP rs1441504335, ClinGen allele CA608986659.